The following is an entry in ClinVar:

ClinVar aggregate classification (germline): Uncertain significance (1 of 4 stars; one submission).

Conditions:
Catecholaminergic polymorphic ventricular tachycardia (CVPT). Also called: Catecholamine-induced polymorphic ventricular tachycardia. Identifiers: Orphanet 3286, MedGen C5574922, MONDO:0017990.

Allele frequency attached by ClinVar (database versions not stated): gnomAD exomes below 0.00001.
gnomAD v4.1: 1 of 1,605,310 alleles (0.000062%); highest among the groups gnomAD compares: South Asian, 0.0011%; no homozygotes.

Submission:

All of Us Research Program, National Institutes of Health
Classification: Uncertain significance for Catecholaminergic polymorphic ventricular tachycardia. Last evaluated: 2023-10-06. Review status: criteria provided, single submitter. Criteria: ACMG Guidelines, 2015. Collection method: clinical testing. Allele origin: germline. Inheritance: Autosomal dominant inheritance. Observed: 1 variant allele, 1 heterozygote.
Comment: This missense variant replaces phenylalanine with leucine at codon 2954 of the RYR2 protein. Computational prediction suggests that this variant may not impact protein structure and function (internally defined REVEL score threshold <= 0.5, PMID: 27666373). To our knowledge, functional studies have not been reported for this variant. This variant has not been reported in individuals affected with RYR2-related disorders in the literature. This variant has not been identified in the general population by the Genome Aggregation Database (gnomAD). The available evidence is insufficient to determine the role of this variant in disease conclusively. Therefore, this variant is classified as a Variant of Uncertain Significance.

This study involves interpretation of variants in research participants for the purpose of population health screening. Participant phenotype was not available at the time of variant classification. Additional details can be found in publication PMID: 35346344, PMCID: PMC8962531

NM_001035.3(RYR2):c.8862C>A (p.Phe2954Leu)

Gene: RYR2 (ryanodine receptor 2; plus strand). Cytogenetic location: 1q43.
Variant type: single nucleotide variant.
Coding change: c.8862C>A on transcript NM_001035.3 (MANE Select); coding-DNA position 8862, C replaced by A.
Protein change: p.Phe2954Leu; replaces phenylalanine 2954 with leucine.
Molecular consequence: missense variant.
Genome position (GRCh38, 1-based): chr1:237,678,079, C>A. VCF-style: chr1-237678079-C-A. GRCh37 (hg19) VCF-style: chr1-237841379-C-A.
Other names: short protein forms F2954L.
Identifiers: ClinVar variation 3073763 (VCV003073763.1), dbSNP rs2148926083, ClinGen allele CA345403633.
Genomic context (GRCh38, chr1:237,678,079, plus strand): 5'-ATTTACCTAAAAACTCTTCAAATCTACAGATGGTGGCAGCAGAGGCAAAGGAGAACATTT[C>A]CCTTATGAACAAGAAATCAAGTTCTTTGCAAAAGTACAGTATACAATCTATCTTGTTTTT-3'
Protein context (NP_001026.2, residues 2944-2964): DGGSRGKGEH[Phe2954Leu]PYEQEIKFFA